The following is an entry in ClinVar:

ClinVar aggregate classification (germline): Benign. Review status: criteria provided, single submitter (1 of 4 stars). 2 submissions from 2 submitters: Benign (1). 1 of the submissions does not count toward it.

Allele frequency attached by ClinVar (database versions not stated): gnomAD exomes 0.06357 and 0.07486; ExAC 0.08323; 1000 Genomes Project 0.17432; gnomAD 0.17963 and 0.19086; 1000 Genomes Project 30x 0.18551; ESP Exome Variant Server 0.18644; TOPMed 0.19412.
gnomAD v4.1: 120,875 of 1,613,742 alleles (7.5%); highest among the groups gnomAD compares: African/African-American, 50%; 12,177 homozygotes.

Submissions (2):

Breakthrough Genomics
Classification: Benign. Review status: criteria provided, single submitter. Criteria: ACMG Guidelines, 2015. Collection method: not provided. Allele origin: germline. Inheritance: Unknown mechanism. Affected: yes.

Genetic Services Laboratory, University of Chicago
Classification: Likely benign for AllHighlyPenetrant. Review status: no assertion criteria provided. Collection method: clinical testing. Allele origin: germline. Inheritance: Autosomal dominant inheritance. Not counted in ClinVar's aggregate classification.
Comment: Likely benign based on allele frequency in 1000 Genomes Project or ESP global frequency and its presence in a patient with a rare or unrelated disease phenotype. NOT Sanger confirmed.

NM_014832.5(TBC1D4):c.3824T>C (p.Val1275Ala)

Gene: TBC1D4 (TBC1 domain family member 4; minus strand). Cytogenetic location: 13q22.2.
Variant type: single nucleotide variant.
Coding change: c.3824T>C on transcript NM_014832.5 (MANE Select); coding-DNA position 3824, T replaced by C.
Protein change: p.Val1275Ala; replaces valine 1275 with alanine.
Molecular consequence: missense variant.
Genome position (GRCh38, 1-based): chr13:75,286,865, A>G on the plus strand (T>C on the coding strand, the complement: TBC1D4 is on the minus strand). VCF-style: chr13-75286865-A-G. GRCh37 (hg19) VCF-style: chr13-75861001-A-G.
Other names: c.3800T>C, p.Val1267Ala (NM_001286658.2); c.3635T>C, p.Val1212Ala (NM_001286659.2); short protein forms V1275A, V1212A, V1267A.
Identifiers: ClinVar variation 130861 (VCV000130861.7), dbSNP rs557337, ClinGen allele CA214734.